The following is an entry in ClinVar:

NM_000111.3(SLC26A3):c.940A>C (p.Lys314Gln)

Gene: SLC26A3 (solute carrier family 26 member 3; minus strand). Cytogenetic location: 7q22.3.
Variant type: single nucleotide variant.
Coding change: c.940A>C on transcript NM_000111.3 (MANE Select); coding-DNA position 940, A replaced by C.
Protein change: p.Lys314Gln; replaces lysine 314 with glutamine.
Molecular consequence: missense variant.
Genome position (GRCh38, 1-based): chr7:107,786,858, T>G on the plus strand (A>C on the coding strand, the complement: SLC26A3 is on the minus strand). VCF-style: chr7-107786858-T-G. GRCh37 (hg19) VCF-style: chr7-107427303-T-G.
Other names: short protein forms K314Q.
Identifiers: ClinVar variation 2174934 (VCV002174934.3), dbSNP rs372165246, ClinGen allele CA4433990.
Genomic context (GRCh38, chr7:107,786,858, plus strand): 5'-GGTGATGCCATCATCGAAGACACACTTACCCAGGATTCATGTCCCCAACCACAGCCACTT[T>G]AAACCTGTTTTTAAAGTCACAGCCGTAGGATACACCTGCTGCAATCACGGTCTGCAAAGT-3'
Protein context (NP_000102.1, residues 304-324): SYGCDFKNRF[Lys314Gln]VAVVGDMNPG

ClinVar aggregate classification (germline): Uncertain significance. Review status: criteria provided, multiple submitters, no conflicts (2 of 4 stars). 2 submissions from 2 submitters: Uncertain significance (2). Last evaluated 2024-06-11.

Conditions:
Inborn genetic diseases. Identifiers: MedGen C0950123, MeSH D030342.

Allele frequency attached by ClinVar (database versions not stated): gnomAD exomes 0.00001; gnomAD 0.00002; ExAC 0.00004; TOPMed 0.00005; ESP Exome Variant Server 0.00008.

Submissions (2):

Ambry Genetics
Classification: Uncertain significance for Inborn genetic diseases. Last evaluated: 2024-06-11. Review status: criteria provided, single submitter. Criteria: Ambry Variant Classification Scheme 2023. Collection method: clinical testing. Allele origin: germline.

Labcorp Genetics (formerly Invitae), Labcorp
Classification: Uncertain significance. Last evaluated: 2022-06-20. Review status: criteria provided, single submitter. Criteria: Invitae Variant Classification Sherloc (09022015). Collection method: clinical testing. Allele origin: germline.
Comment: This sequence change replaces lysine, which is basic and polar, with glutamine, which is neutral and polar, at codon 314 of the SLC26A3 protein (p.Lys314Gln). This variant is present in population databases (rs372165246, gnomAD 0.006%). This variant has not been reported in the literature in individuals affected with SLC26A3-related conditions. Advanced modeling of protein sequence and biophysical properties (such as structural, functional, and spatial information, amino acid conservation, physicochemical variation, residue mobility, and thermodynamic stability) performed at Invitae indicates that this missense variant is not expected to disrupt SLC26A3 protein function. In summary, the available evidence is currently insufficient to determine the role of this variant in disease. Therefore, it has been classified as a Variant of Uncertain Significance.